The following is an entry in ClinVar:

NM_182476.3(COQ6):c.1111G>A (p.Val371Ile)

Genes: COQ6 (coenzyme Q6, monooxygenase; plus strand), ENTPD5 (ectonucleoside triphosphate diphosphohydrolase 5; minus strand). Cytogenetic location: 14q24.3.
Variant type: single nucleotide variant.
Coding change: c.1111G>A on transcript NM_182476.3 (MANE Select); coding-DNA position 1111, G replaced by A.
Protein change: p.Val371Ile; replaces valine 371 with isoleucine.
Molecular consequence: missense variant. On other transcripts: 3 prime UTR variant (1), intron variant (5).
Genome position (GRCh38, 1-based): chr14:73,961,471, G>A. VCF-style: chr14-73961471-G-A. GRCh37 (hg19) VCF-style: chr14-74428174-G-A.
Other names: c.1036G>A, p.Val346Ile (NM_182480.3); c.*62C>T (NM_001321984.2); c.1201-5884C>T (NM_001382258.1); c.1201-5643C>T (NM_001382262.1); c.1201-1918C>T (NM_001382260.1, NM_001382259.1, NM_001330189.2); c.1111G>A, p.Val371Ile (NM_001425255.1); c.1003G>A, p.Val335Ile (NM_001425256.1); c.946G>A, p.Val316Ile (NM_001425257.1); and 5 more; short protein forms V346I, V371I.
Identifiers: ClinVar variation 1909204 (VCV001909204.4), dbSNP rs528712914, ClinGen allele CA7264458.

ClinVar aggregate classification (germline): Uncertain significance (1 of 4 stars; one submission).

Allele frequency attached by ClinVar (database versions not stated): ExAC 0.00002; gnomAD exomes below 0.00001; TOPMed below 0.00001.
gnomAD v4.1: 5 of 1,614,200 alleles (0.00031%); highest among the groups gnomAD compares: South Asian, 0.0055%; no homozygotes.

Submission:

Labcorp Genetics (formerly Invitae), Labcorp
Classification: Uncertain significance. Last evaluated: 2024-01-29. Review status: criteria provided, single submitter. Criteria: Invitae Variant Classification Sherloc (09022015). Collection method: clinical testing. Allele origin: germline.
Comment: This sequence change replaces valine, which is neutral and non-polar, with isoleucine, which is neutral and non-polar, at codon 371 of the COQ6 protein (p.Val371Ile). This variant is present in population databases (rs528712914, gnomAD 0.01%). This variant has not been reported in the literature in individuals affected with COQ6-related conditions. ClinVar contains an entry for this variant (Variation ID: 1909204). Advanced modeling of protein sequence and biophysical properties (such as structural, functional, and spatial information, amino acid conservation, physicochemical variation, residue mobility, and thermodynamic stability) performed at Invitae indicates that this missense variant is not expected to disrupt COQ6 protein function with a negative predictive value of 80%. In summary, the available evidence is currently insufficient to determine the role of this variant in disease. Therefore, it has been classified as a Variant of Uncertain Significance.